The following is an entry in ClinVar:

ClinVar aggregate classification (germline): Uncertain significance (1 of 4 stars; one submission).

Allele frequency attached by ClinVar (database versions not stated): gnomAD 0.00002; TOPMed 0.00002.

Submission:

Labcorp Genetics (formerly Invitae), Labcorp
Classification: Uncertain significance. Last evaluated: 2024-01-29. Review status: criteria provided, single submitter. Criteria: Invitae Variant Classification Sherloc (09022015). Collection method: clinical testing. Allele origin: germline.
Comment: This sequence change replaces arginine, which is basic and polar, with glutamine, which is neutral and polar, at codon 438 of the TARS2 protein (p.Arg438Gln). This variant is present in population databases (no rsID available, gnomAD 0.01%). This variant has not been reported in the literature in individuals affected with TARS2-related conditions. ClinVar contains an entry for this variant (Variation ID: 2063493). Advanced modeling of protein sequence and biophysical properties (such as structural, functional, and spatial information, amino acid conservation, physicochemical variation, residue mobility, and thermodynamic stability) performed at Invitae indicates that this missense variant is expected to disrupt TARS2 protein function with a positive predictive value of 80%. In summary, the available evidence is currently insufficient to determine the role of this variant in disease. Therefore, it has been classified as a Variant of Uncertain Significance.

NM_025150.5(TARS2):c.1313G>A (p.Arg438Gln)

Gene: TARS2 (threonyl-tRNA synthetase 2, mitochondrial; plus strand). Cytogenetic location: 1q21.2.
Variant type: single nucleotide variant.
Coding change: c.1313G>A on transcript NM_025150.5 (MANE Select); coding-DNA position 1313, G replaced by A.
Protein change: p.Arg438Gln; replaces arginine 438 with glutamine.
Molecular consequence: missense variant. On other transcripts: non-coding transcript variant (2).
Genome position (GRCh38, 1-based): chr1:150,498,576, G>A. VCF-style: chr1-150498576-G-A. GRCh37 (hg19) VCF-style: chr1-150471052-G-A.
Other names: c.1067G>A, p.Arg356Gln (NM_001271895.2); c.923G>A, p.Arg308Gln (NM_001271896.2); short protein forms R308Q, R438Q, R356Q.
Identifiers: ClinVar variation 2063493 (VCV002063493.4), dbSNP rs914160952, ClinGen allele CA30066652.